The following is an entry in ClinVar:

ClinVar aggregate classification (germline): Uncertain significance (1 of 4 stars; one submission).

Submission:

GeneDx
Classification: Uncertain significance. Last evaluated: 2024-06-20. Review status: criteria provided, single submitter. Criteria: GeneDx Variant Classification Process June 2021. Collection method: clinical testing. Allele origin: germline. Affected: yes.
Comment: Not observed at significant frequency in large population cohorts (gnomAD); In silico analysis supports that this missense variant has a deleterious effect on protein structure/function; Has not been previously published as pathogenic or benign to our knowledge

NM_006258.4(PRKG1):c.745G>C (p.Ala249Pro)

Gene: PRKG1 (protein kinase cGMP-dependent 1; plus strand). Cytogenetic location: 10q21.1.
Variant type: single nucleotide variant.
Coding change: c.745G>C on transcript NM_006258.4 (MANE Select); coding-DNA position 745, G replaced by C.
Protein change: p.Ala249Pro; replaces alanine 249 with proline.
Molecular consequence: missense variant.
Genome position (GRCh38, 1-based): chr10:51,907,553, G>C. VCF-style: chr10-51907553-G-C. GRCh37 (hg19) VCF-style: chr10-53667313-G-C.
Other names: c.700G>C, p.Ala234Pro (NM_001098512.3); c.745G>C, p.Ala249Pro (NM_001374782.1); short protein forms A234P, A249P.
Identifiers: ClinVar variation 3391783 (VCV003391783.1).